The following is an entry in ClinVar:

NM_000426.4(LAMA2):c.8876G>C (p.Gly2959Ala)

Gene: LAMA2 (laminin subunit alpha 2; plus strand). Cytogenetic location: 6q22.33.
Variant type: single nucleotide variant.
Coding change: c.8876G>C on transcript NM_000426.4 (MANE Select); coding-DNA position 8876, G replaced by C.
Protein change: p.Gly2959Ala; replaces glycine 2959 with alanine.
Molecular consequence: missense variant.
Genome position (GRCh38, 1-based): chr6:129,512,381, G>C. VCF-style: chr6-129512381-G-C. GRCh37 (hg19) VCF-style: chr6-129833526-G-C.
Other names: c.8864G>C, p.Gly2955Ala (NM_001079823.2); short protein forms G2955A, G2959A.
Identifiers: ClinVar variation 1032350 (VCV001032350.1), dbSNP rs1393350402, ClinGen allele CA365636027.

ClinVar aggregate classification (germline): Uncertain significance (1 of 4 stars; one submission).

Conditions:
Merosin deficient congenital muscular dystrophy (MDC1A). Also called: Congenital merosin-deficient muscular dystrophy 1A; Congenital Muscular Dystrophy Type 1A (MDC1A). Identifiers: Orphanet 258, MedGen C1263858, MONDO:0011925, OMIM 607855.

Allele frequency attached by ClinVar (database versions not stated): gnomAD exomes below 0.00001.
gnomAD v4.1: 1 of 1,613,562 alleles (0.000062%); no homozygotes.

Submission:

Baylor Genetics
Classification: Uncertain significance for Merosin deficient congenital muscular dystrophy. Last evaluated: 2018-11-14. Review status: criteria provided, single submitter. Criteria: ACMG Guidelines, 2015. Collection method: clinical testing. Allele origin: unknown. Affected: yes.
Comment: This variant was determined to be of uncertain significance according to ACMG Guidelines, 2015 [PMID:25741868].